The following is an entry in ClinVar:

NM_033026.6(PCLO):c.92_93delinsAG (p.Ser31Lys)

Gene: PCLO (piccolo presynaptic cytomatrix protein; minus strand). Cytogenetic location: 7q21.11.
Variant type: Indel.
Coding change: c.92_93delinsAG on transcript NM_033026.6 (MANE Select); coding-DNA positions 92 to 93, GC replaced by AG.
Protein change: p.Ser31Lys; replaces serine 31 with lysine.
Molecular consequence: missense variant.
Genome position (GRCh38, 1-based): chr7:83,162,500-83,162,501, GC replaced by CT on the plus strand (GC replaced by AG on the coding strand, the reverse complement: PCLO is on the minus strand). VCF-style: chr7-83162500-GC-CT. GRCh37 (hg19) VCF-style: chr7-82791816-GC-CT.
Other names: c.92_93delinsAG, p.Ser31Lys (NM_014510.3); short protein forms S31K.
Identifiers: ClinVar variation 2092505 (VCV002092505.4), dbSNP rs2484927424, ClinGen allele CA2580077430.

ClinVar aggregate classification (germline): Uncertain significance (1 of 4 stars; one submission).

Submission:

Labcorp Genetics (formerly Invitae), Labcorp
Classification: Uncertain significance. Last evaluated: 2022-07-25. Review status: criteria provided, single submitter. Criteria: Invitae Variant Classification Sherloc (09022015). Collection method: clinical testing. Allele origin: germline.
Comment: In summary, the available evidence is currently insufficient to determine the role of this variant in disease. Therefore, it has been classified as a Variant of Uncertain Significance. Experimental studies and prediction algorithms are not available or were not evaluated, and the functional significance of this variant is currently unknown. This variant has not been reported in the literature in individuals affected with PCLO-related conditions. Information on the frequency of this variant in the gnomAD database is not available, as this variant may be reported differently in the database. This sequence change replaces serine, which is neutral and polar, with lysine, which is basic and polar, at codon 31 of the PCLO protein (p.Ser31Lys).